The following is an entry in ClinVar:

NM_001953.5(TYMP):c.90_97del (p.Pro31fs)

Gene: TYMP (thymidine phosphorylase; minus strand). Cytogenetic location: 22q13.33.
Variant type: Deletion.
Coding change: c.90_97del on transcript NM_001953.5 (MANE Select); coding-DNA positions 90 to 97, 8 bases deleted (GCCAGAGC; older notation c.90_97delGCCAGAGC).
Protein change: p.Pro31fs; shifts the reading frame from proline 31.
Molecular consequence: frameshift variant.
Genome position (GRCh38, 1-based): chr22:50,529,613-50,529,620, GCTCTGGC deleted on the plus strand (GCCAGAGC on the coding strand, the reverse complement: TYMP is on the minus strand); deleting any 8 consecutive bases within chr22:50,529,613-50,529,621 gives the same sequence; the c. name uses the placement nearest the transcript's 3' end. VCF-style (leftmost placement, unchanged base first): chr22-50529612-GGCTCTGGC-G. GRCh37 (hg19) VCF-style: chr22-50968041-GGCTCTGGC-G.
Other names: c.90_97del, p.Pro31fs (NM_001113755.3, NM_001113756.3, NM_001257988.1 and 1 more transcripts); short protein forms P31fs.
Identifiers: ClinVar variation 5012406 (VCV005012406.1).

ClinVar aggregate classification (germline): Pathogenic (1 of 4 stars; one submission).

Conditions:
Mitochondrial DNA depletion syndrome 1. Also called: Mitochondrial neurogastrointestinal encephalomyopathy syndrome; Mitochondrial DNA depletion syndrome 1 (MNGIE type); Mitochondrial DNA Depletion Syndrome, MNGIE Form; POLIP SYNDROME; POLYNEUROPATHY, OPHTHALMOPLEGIA, LEUKOENCEPHALOPATHY, AND INTESTINAL PSEUDOOBSTRUCTION; Mitochondrial Neurogastrointestinal Encephalopathy Disease. Identifiers: Orphanet 298, MedGen C4551995, MONDO:0011283, OMIM 603041.

Submission:

Myriad Genetics, Inc.
Classification: Pathogenic for Mitochondrial DNA depletion syndrome 1. Last evaluated: 2026-03-19. Review status: criteria provided, single submitter. Criteria: Myriad Autosomal Dominant, Autosomal Recessive and X-Linked Classification Criteria (2023). Collection method: clinical testing. Allele origin: unknown.
Comment: NM_001953.4(TYMP):c.90_97del8(P31Qfs*90) is expected to be pathogenic in the context of mitochondrial neurogastrointestinal encephalopathy disease. This variant is predicted to lead to an abnormal or absent protein product due to the creation of a premature termination codon in TYMP, a gene where loss-of-function variants are known to be pathogenic. Please note: this variant was assessed in the context of healthy population screening.